The following is an entry in ClinVar:

NM_006218.4(PIK3CA):c.2366T>C (p.Met789Thr)

Gene: PIK3CA (phosphatidylinositol-4,5-bisphosphate 3-kinase catalytic subunit alpha; plus strand). Cytogenetic location: 3q26.32.
Variant type: single nucleotide variant.
Coding change: c.2366T>C on transcript NM_006218.4 (MANE Select); coding-DNA position 2366, T replaced by C.
Protein change: p.Met789Thr; replaces methionine 789 with threonine.
Molecular consequence: missense variant.
Genome position (GRCh38, 1-based): chr3:179,224,771, T>C. VCF-style: chr3-179224771-T-C. GRCh37 (hg19) VCF-style: chr3-178942559-T-C.
Other names: short protein forms M789T.
Identifiers: ClinVar variation 3418513 (VCV003418513.1).

ClinVar aggregate classification (germline): Uncertain significance (1 of 4 stars; one submission).

Conditions:
Inborn genetic diseases. Identifiers: MedGen C0950123, MeSH D030342.

Submission:

Ambry Genetics
Classification: Uncertain significance for Inborn genetic diseases. Last evaluated: 2024-07-15. Review status: criteria provided, single submitter. Criteria: Ambry Variant Classification Scheme 2023. Collection method: clinical testing. Allele origin: germline.
Comment: The p.M789T variant (also known as c.2366T>C), located in coding exon 15 of the PIK3CA gene, results from a T to C substitution at nucleotide position 2366. The methionine at codon 789 is replaced by threonine, an amino acid with similar properties. This amino acid position is conserved. In addition, this alteration is predicted to be deleterious by in silico analysis. Based on the available evidence, the clinical significance of this variant remains unclear.